The following is an entry in ClinVar:

NM_001048174.2(MUTYH):c.228C>T (p.Tyr76=)

Gene: MUTYH (mutY DNA glycosylase; minus strand). Cytogenetic location: 1p34.1.
Variant type: single nucleotide variant.
Coding change: c.228C>T on transcript NM_001048174.2 (MANE Select); coding-DNA position 228, C replaced by T.
Protein change: p.Tyr76=; no amino-acid change (tyrosine 76 retained).
Molecular consequence: synonymous variant. On other transcripts: 5 prime UTR variant (4), non-coding transcript variant (2).
Genome position (GRCh38, 1-based): chr1:45,333,449, G>A on the plus strand (C>T on the coding strand, the complement: MUTYH is on the minus strand). VCF-style: chr1-45333449-G-A. GRCh37 (hg19) VCF-style: chr1-45799121-G-A.
Other names: p.Y90Y:TAC>TAT; p.Tyr104=; c.228C>T (NM_001048174.1); c.228C>T, p.Tyr76= (NM_001048171.2, NM_001048173.2, NM_001293195.2); c.231C>T, p.Tyr77= (NM_001048172.2); c.312C>T, p.Tyr104= (NM_001128425.2); c.273C>T, p.Tyr91= (NM_001293190.2); c.261C>T, p.Tyr87= (NM_001293191.2); and 3 more.
Identifiers: ClinVar variation 132760 (VCV000132760.102), dbSNP rs121908380, ClinGen allele CA011752.
Genomic context (GRCh38, chr1:45,333,449, plus strand): 5'-TGTCCCTGCTCCTCGCCTGCCTACCCGTCTTCTCCATGGTAGGTCCCGTTTCTCTTGGTC[G>A]TACCAGCTTAGCAGGCTCCCTCGGAAGGCTGTGACTTCAGCTACGTCTCTGAATAGATGG-3'
Protein context (NP_001041639.1, residues 66-86): TAFRGSLLSW[Tyr76=]DQEKRDLPWR

ClinVar aggregate classification (germline): Benign/Likely benign. Review status: criteria provided, multiple submitters, no conflicts (2 of 4 stars). 31 submissions from 31 submitters: Benign (10); Likely benign (14). 7 of the submissions do not count toward it. Last evaluated 2026-09-10.

Conditions:
Classic or attenuated familial adenomatous polyposis. Identifiers: MedGen CN372698, MONDO:0021057.
Hereditary cancer-predisposing syndrome. Also called: Tumor predisposition; Hereditary neoplastic syndrome; Neoplastic Syndromes, Hereditary; Hereditary Cancer Syndrome. Identifiers: Orphanet 140162, MedGen C0027672, MeSH D009386, MONDO:0015356.
Carcinoma of colon (CRC). Also called: Colon carcinoma; Colonic carcinoma. Identifiers: MedGen C0699790, MONDO:0002032.
Familial adenomatous polyposis 2. Also called: MUTYH-related attenuated familial adenomatous polyposis; MYH-associated polyposis; FAP type 2; Adenomas, multiple colorectal; COLORECTAL ADENOMATOUS POLYPOSIS, AUTOSOMAL RECESSIVE; MUTYH-associated polyposis. Identifiers: Orphanet 220460, Orphanet 247798, MedGen C3272841, MONDO:0012041, OMIM 608456.

Allele frequency attached by ClinVar (database versions not stated): 1000 Genomes Project 0.00060; 1000 Genomes Project 30x 0.00062; TOPMed 0.00123.
gnomAD v4.1: 2,580 of 1,614,190 alleles (0.16%); highest among the groups gnomAD compares: Admixed American, 0.18%; 7 homozygotes.

Submissions 1 to 18 of 31:

University Health Network, Familial Cancer Clinic, Princess Margaret Cancer Centre
Classification: Benign for Classic or attenuated familial adenomatous polyposis. Last evaluated: 2026-09-10. Review status: criteria provided, single submitter. Criteria: ACMG Guidelines, 2015. Collection method: clinical testing. Allele origin: germline. Inheritance: Autosomal recessive inheritance. Affected: yes. Observed: 3 variant alleles. Clinical features observed: Breast carcinoma (HP:0003002), Ovarian carcinoma (HP:0025318), Testicular neoplasm (HP:0010788).
Comment: NM_001048174.2(MUTYH):c.228C>T (p.Tyr76=) is a synonymous variant that does not alter the amino acid sequence. The variant has been submitted to ClinVar by multiple laboratories with a consensus classification of benign/likely benign, and no conflicts (BP6_supporting), together with the synonymous nature of the variant and lack of evidence for a splicing impact (BP7). There is no current evidence that this variant affects MUTYH function or contributes to hereditary cancer predisposition. Therefore, this variant is classified as benign.

Illumina Laboratory Services, Illumina
Classification: Likely benign for Familial adenomatous polyposis 2. Last evaluated: 2026-08-11. Review status: criteria provided, single submitter. Criteria: ISL SNV Classification Criteria 03 February 2026. Collection method: clinical testing. Allele origin: unknown.
Comment: The SMAD3 c.268C>T p(.Arg90Cys) missense variant has been identified in individuals with a phenotype consistent with aneurysm-osteoarthritis syndrome (PMID:25944730;PMID:30661052;PMID:37937776). This variant is not observed at a significant frequency in version 4.1.1 of the Genome Aggregation Database. This variant is located in a known functional domain. Additionally, a different amino acid substitution at the same codon, p.(Arg90His) has been reported in individuals with thoracic aortic aneurysm and dissection or related conditions (PMID: 29510914; PMID:32154675). Multiple lines of computational evidence suggest the variant may impact the gene or gene product. Based on the available evidence, this variant is classified as likely pathogenic.

CeGaT Center for Human Genetics Tuebingen
Classification: Likely benign. Last evaluated: 2026-05-01. Review status: criteria provided, single submitter. Criteria: CeGaT Center For Human Genetics Tuebingen Variant Classification Criteria Version 2. Collection method: clinical testing. Allele origin: germline. Affected: yes. Observed: 16 variant alleles.
Comment: MUTYH: BP4, BP7

Labcorp Genetics (formerly Invitae), Labcorp
Classification: Benign for Familial adenomatous polyposis 2. Last evaluated: 2026-02-03. Review status: criteria provided, single submitter. Criteria: Invitae Variant Classification Sherloc (09022015). Collection method: clinical testing. Allele origin: germline.

Mayo Clinic Laboratories, Mayo Clinic
Classification: Likely benign. Last evaluated: 2025-06-10. Review status: criteria provided, single submitter. Criteria: ACMG Guidelines, 2015. Collection method: clinical testing. Allele origin: germline. Observed: 5 variant alleles.
Comment: BS1, BP4, BP7

Center for Genomic Medicine, Rigshospitalet, Copenhagen University Hospital
Classification: Likely benign. Last evaluated: 2025-03-04. Review status: criteria provided, single submitter. Criteria: ACMG Guidelines, 2015. Collection method: clinical testing. Allele origin: germline.

Ambry Genetics
Classification: Benign for Hereditary cancer-predisposing syndrome. Last evaluated: 2024-11-28. Review status: criteria provided, single submitter. Criteria: Ambry Variant Classification Scheme 2023. Collection method: clinical testing. Allele origin: germline.

Blueprint Genetics
Classification: Likely benign. Last evaluated: 2024-11-25. Review status: criteria provided, single submitter. Criteria: ACMG Guidelines, 2015. Collection method: clinical testing. Allele origin: germline.

Molecular Diagnostics Laboratory, Catalan Institute of Oncology
Classification: Likely benign for Hereditary cancer-predisposing syndrome. Last evaluated: 2024-10-06. Review status: criteria provided, single submitter. Criteria: ACMG Guidelines, 2015. Collection method: clinical testing. Allele origin: germline.
Comment: BP4, BP7 c.312C>T, located in exon 3 of the MUTYH gene, is predicted to result in no amino acid change, p.(Tyr104=)(BP7). This variant is found in 204/118170, , with a filter allele frequency of 0.15% at 99% confidence, and 1 homozygous individual was reported in the gnomAD v2.1.1 database (European non-Finnish non-cancer data set). The SpliceAI algorithm predicts no significant impact on splicing for the variant and its isoforms (BP4). To our knowledge, functional studies have not been reported for this variant. This variant has been identified in ClinVar (8x benign, 18x likely benign, 1x uncertain significance) and LOVD (7x uncertain significance, 5x likely benign) databases. Based on currently available information, the variant c.312C>T is classified as a likely benign variant according to ACMG guidelines.

All of Us Research Program, National Institutes of Health
Classification: Benign for Familial adenomatous polyposis 2. Last evaluated: 2024-02-05. Review status: criteria provided, single submitter. Criteria: ACMG Guidelines, 2015. Collection method: clinical testing. Allele origin: germline. Inheritance: Autosomal recessive inheritance. Observed: 310 variant alleles, 309 heterozygotes, 1 homozygote.
Comment: This study involves interpretation of variants in research participants for the purpose of population health screening. Participant phenotype was not available at the time of variant classification. Additional details can be found in publication PMID: 35346344, PMCID: PMC8962531

Quest Diagnostics Nichols Institute San Juan Capistrano
Classification: Likely benign. Last evaluated: 2023-09-07. Review status: criteria provided, single submitter. Criteria: Quest Diagnostics criteria. Collection method: clinical testing. Allele origin: unknown.

Institute for Biomarker Research, Medical Diagnostic Laboratories, L.L.C.
Classification: Likely benign for Hereditary cancer-predisposing syndrome. Last evaluated: 2022-08-18. Review status: criteria provided, single submitter. Criteria: ACMG Guidelines, 2015. Collection method: clinical testing. Allele origin: germline.

ARUP Laboratories, Molecular Genetics and Genomics, ARUP Laboratories
Classification: Likely benign. Last evaluated: 2022-01-26. Review status: criteria provided, single submitter. Criteria: ARUP Molecular Germline Variant Investigation Process 2021. Collection method: clinical testing. Allele origin: germline.

Institute for Clinical Genetics, University Hospital TU Dresden, University Hospital TU Dresden
Classification: Likely benign. Last evaluated: 2021-11-03. Review status: criteria provided, single submitter. Criteria: ACMG Guidelines, 2015. Collection method: clinical testing. Allele origin: germline.

Genetic Services Laboratory, University of Chicago
Classification: Likely benign. Last evaluated: 2021-08-04. Review status: criteria provided, single submitter. Criteria: ACMG Guidelines, 2015. Collection method: clinical testing. Allele origin: germline. Affected: no.

Sema4
Classification: Likely benign for Hereditary cancer-predisposing syndrome. Last evaluated: 2021-07-28. Review status: criteria provided, single submitter. Criteria: Sema4 Curation Guidelines. Collection method: curation. Allele origin: germline.

Center for Pediatric Genomic Medicine, Children's Mercy Hospital and Clinics
Classification: Likely benign. Last evaluated: 2017-08-22. Review status: criteria provided, single submitter. Criteria: ACMG Guidelines, 2015. Collection method: clinical testing. Allele origin: germline.

PreventionGenetics, part of Exact Sciences
Classification: Likely benign. Last evaluated: 2017-07-14. Review status: criteria provided, single submitter. Criteria: ACMG Guidelines, 2015. Collection method: clinical testing. Allele origin: germline.